The following is an entry in ClinVar:

NM_020987.5(ANK3):c.505G>A (p.Ala169Thr)

Gene: ANK3 (ankyrin 3; minus strand). Cytogenetic location: 10q21.2.
Variant type: single nucleotide variant.
Coding change: c.505G>A on transcript NM_020987.5 (MANE Select); coding-DNA position 505, G replaced by A.
Protein change: p.Ala169Thr; replaces alanine 169 with threonine.
Molecular consequence: missense variant.
Genome position (GRCh38, 1-based): chr10:60,270,139, C>T on the plus strand (G>A on the coding strand, the complement: ANK3 is on the minus strand). VCF-style: chr10-60270139-C-T. GRCh37 (hg19) VCF-style: chr10-62029897-C-T.
Other names: c.487G>A, p.Ala163Thr (NM_001204403.2); c.454G>A, p.Ala152Thr (NM_001204404.2); c.505G>A, p.Ala169Thr (NM_001320874.2); short protein forms A152T, A163T, A169T.
Identifiers: ClinVar variation 1690651 (VCV001690651.4), dbSNP rs146434581, ClinGen allele CA5513410.
Genomic context (GRCh38, chr10:60,270,139, plus strand): 5'-AAATGCCCTATAAATACGTGAACTCACCCACAGGAAAAAAACAGTATCTTACCTCTGTGG[C>T]TAGGCTCTGGCTTGCACCATTGTCAAGAAGAAACTTGACAACTTCCAGGTGATTTTCCTG-3'
Protein context (NP_066267.2, residues 159-179): LLDNGASQSL[Ala169Thr]TEDGFTPLAV

ClinVar aggregate classification (germline): Uncertain significance. Review status: criteria provided, multiple submitters, no conflicts (2 of 4 stars). 2 submissions from 2 submitters: Uncertain significance (2). Last evaluated 2024-09-10.

Allele frequency attached by ClinVar (database versions not stated): gnomAD exomes below 0.00001; TOPMed below 0.00001; ExAC 0.00001; gnomAD 0.00001; ESP Exome Variant Server 0.00008.
gnomAD v4.1: 2 of 1,569,936 alleles (0.00013%); highest among the groups gnomAD compares: East Asian, 0.0023%; no homozygotes.

Submissions (2):

Labcorp Genetics (formerly Invitae), Labcorp
Classification: Uncertain significance. Last evaluated: 2024-09-10. Review status: criteria provided, single submitter. Criteria: Invitae Variant Classification Sherloc (09022015). Collection method: clinical testing. Allele origin: germline.
Comment: This sequence change replaces alanine, which is neutral and non-polar, with threonine, which is neutral and polar, at codon 169 of the ANK3 protein (p.Ala169Thr). The frequency data for this variant in the population databases is considered unreliable, as metrics indicate poor data quality at this position in the gnomAD database. This variant has not been reported in the literature in individuals affected with ANK3-related conditions. ClinVar contains an entry for this variant (Variation ID: 1690651). Invitae Evidence Modeling of protein sequence and biophysical properties (such as structural, functional, and spatial information, amino acid conservation, physicochemical variation, residue mobility, and thermodynamic stability) indicates that this missense variant is not expected to disrupt ANK3 protein function with a negative predictive value of 80%. In summary, the available evidence is currently insufficient to determine the role of this variant in disease. Therefore, it has been classified as a Variant of Uncertain Significance.

Laboratorio de Genetica e Diagnostico Molecular, Hospital Israelita Albert Einstein
Classification: Uncertain significance. Last evaluated: 2019-03-01. Review status: criteria provided, single submitter. Criteria: ACMG Guidelines, 2015. Collection method: clinical testing. Allele origin: germline. Affected: yes.
Comment: ACMG classification criteria: PM2